The following is an entry in ClinVar:

ClinVar aggregate classification (germline): Uncertain significance (1 of 4 stars; one submission).

Conditions:
Inborn genetic diseases. Identifiers: MedGen C0950123, MeSH D030342.

Submission:

Ambry Genetics
Classification: Uncertain significance for Inborn genetic diseases. Last evaluated: 2025-07-22. Review status: criteria provided, single submitter. Criteria: Ambry Variant Classification Scheme 2023. Collection method: clinical testing. Allele origin: germline.
Comment: The p.G87A variant (also known as c.260G>C), located in coding exon 1 of the WT1 gene, results from a G to C substitution at nucleotide position 260. The glycine at codon 87 is replaced by alanine, an amino acid with similar properties. This amino acid position is conserved. In addition, this alteration is predicted to be tolerated by in silico analysis. Based on the available evidence, the clinical significance of this variant remains unclear.

NM_024426.6(WT1):c.275G>C (p.Gly92Ala)

Genes: WT1 (WT1 transcription factor; minus strand), LOC107982234 (WT1/WT1-AS bi-directional promoter region; plus strand). Cytogenetic location: 11p13.
Variant type: single nucleotide variant.
Coding change: c.275G>C on transcript NM_024426.6 (MANE Select); coding-DNA position 275, G replaced by C.
Protein change: p.Gly92Ala; replaces glycine 92 with alanine.
Molecular consequence: missense variant. On other transcripts: non-coding transcript variant (2).
Genome position (GRCh38, 1-based): chr11:32,435,086, C>G on the plus strand (G>C on the coding strand, the complement: WT1 is on the minus strand). VCF-style: chr11-32435086-C-G. GRCh37 (hg19) VCF-style: chr11-32456632-C-G.
Other names: c.275G>C, p.Gly92Ala (NM_000378.6, NM_001407044.1, NM_001407045.1 and 6 more transcripts); c.56G>C, p.Gly19Ala (NM_001429031.1, NM_001429032.1, NM_001429033.1 and 1 more transcripts); short protein forms G19A, G87A, G92A.
Identifiers: ClinVar variation 4202228 (VCV004202228.1).